The following is an entry in ClinVar:

NM_030625.3(TET1):c.5106T>C (p.Asp1702=)

Gene: TET1 (tet methylcytosine dioxygenase 1; plus strand). Cytogenetic location: 10q21.3.
Variant type: single nucleotide variant.
Coding change: c.5106T>C on transcript NM_030625.3 (MANE Select); coding-DNA position 5106, T replaced by C.
Protein change: p.Asp1702=; no amino-acid change (aspartic acid 1702 retained).
Molecular consequence: synonymous variant.
Genome position (GRCh38, 1-based): chr10:68,686,409, T>C. VCF-style: chr10-68686409-T-C. GRCh37 (hg19) VCF-style: chr10-70446166-T-C.
Other names: c.5193T>C, p.Asp1731= (NM_001406365.1); c.3282T>C, p.Asp1094= (NM_001406367.1); c.3180T>C, p.Asp1060= (NM_001406368.1, NM_001406369.1, NM_001406370.1); c.3093T>C, p.Asp1031= (NM_001406371.1, NM_001406372.1); c.2700T>C, p.Asp900= (NM_001406373.1); c.2613T>C, p.Asp871= (NM_001406374.1); c.837T>C, p.Asp279= (NM_001406375.1); c.750T>C, p.Asp250= (NM_001406376.1).
Identifiers: ClinVar variation 3058291 (VCV003058291.2), dbSNP rs767278366, ClinGen allele CA5526795.

ClinVar aggregate classification (germline): Likely benign (0 of 4 stars; one submission).

Conditions:
TET1-related disorder. Also called: TET1-related condition.

Allele frequency attached by ClinVar (database versions not stated): ExAC 0.00001; gnomAD exomes 0.00001.
gnomAD v4.1: 10 of 1,613,828 alleles (0.00062%); highest among the groups gnomAD compares: Non-Finnish European, 0.00085%; no homozygotes.

Submission:

PreventionGenetics, part of Exact Sciences
Classification: Likely benign for TET1-related condition. Last evaluated: 2019-04-15. Review status: no assertion criteria provided. Collection method: clinical testing. Allele origin: germline.
Comment: This variant is classified as likely benign based on ACMG/AMP sequence variant interpretation guidelines (Richards et al. 2015 PMID: 25741868, with internal and published modifications).